The following is an entry in ClinVar:

NC_000007.13:g.(6013174_6017218)_(6018328_6022454)del

Gene: PMS2 (PMS1 homolog 2, mismatch repair system component; minus strand). Cytogenetic location: 7p22.1.
Variant type: Deletion.
Identifiers: ClinVar variation 3336114 (VCV003336114.1).

ClinVar aggregate classification (germline): Pathogenic (1 of 4 stars; one submission).

Conditions:
Hereditary nonpolyposis colon cancer (HNPCC). Also called: Hereditary Nonpolyposis Colorectal Cancer Syndrome; Hereditary nonpolyposis colorectal cancer; Familial nonpolyposis colon cancer. Identifiers: Orphanet 443909, MedGen C1333990, MONDO:0018630. Disease mechanism: loss of function.

Submission:

Women's Health and Genetics/Laboratory Corporation of America, LabCorp
Classification: Pathogenic for Hereditary nonpolyposis colon cancer. Last evaluated: 2024-05-07. Review status: criteria provided, single submitter. Criteria: LabCorp Variant Classification Summary - May 2015. Collection method: clinical testing. Allele origin: germline.
Comment: Variant summary: The variant involves the deletion of exons 13-14 in the PMS2 gene. A presumed nomenclature of c.(2174+1_2175-1)_(2445+1_2446-1)del has been designated for the purposes of this classification. This Copy Number Variant (CNV) is expected to alter the reading frame (downstream of the deleted region) within the last exon. The variant was absent in 120278 control chromosomes in the gnomAD database (Structural Variants v4.0 dataset). Deletion of exons 13-14 in the PMS2 gene has been reported in the literature in individuals affected with tumors belonging to the Lynch Syndrome spectrum (e.g. LaDuca_2014, Sidenna_2022). In addition, a missense variant in the disrupted region (Ser815Leu) is classified as pathogenic by our laboratory, indicating the functional importance of this protein region. To our knowledge, no experimental evidence demonstrating an impact on protein function has been reported. The following publications have been ascertained in the context of this evaluation (PMID: 24763289, 36421850). ClinVar contains an entry for this variant (Variation ID: 831096). Based on the evidence outlined above, the variant was classified as pathogenic.

Literature cited by the submitters: PubMed 24763289; PubMed 36421850.